The following is an entry in ClinVar:

NM_000465.4(BARD1):c.1513G>C (p.Gly505Arg)

Gene: BARD1 (BRCA1 associated RING domain 1; minus strand). Cytogenetic location: 2q35.
Variant type: single nucleotide variant.
Coding change: c.1513G>C on transcript NM_000465.4 (MANE Select); coding-DNA position 1513, G replaced by C.
Protein change: p.Gly505Arg; replaces glycine 505 with arginine.
Molecular consequence: missense variant. On other transcripts: non-coding transcript variant (3), intron variant (3).
Genome position (GRCh38, 1-based): chr2:214,767,537, C>G on the plus strand (G>C on the coding strand, the complement: BARD1 is on the minus strand). VCF-style: chr2-214767537-C-G. GRCh37 (hg19) VCF-style: chr2-215632261-C-G.
Other names: c.1456G>C, p.Gly486Arg (NM_001282543.2); c.159-14982G>C (NM_001282548.2); c.216-14982G>C (NM_001282545.2); c.364+24760G>C (NM_001282549.2); short protein forms G505R, G486R.
Identifiers: ClinVar variation 219764 (VCV000219764.19), dbSNP rs864622240, ClinGen allele CA350122.

ClinVar aggregate classification (germline): Uncertain significance. Review status: criteria provided, multiple submitters, no conflicts (2 of 4 stars). 4 submissions from 4 submitters: Uncertain significance (4). Last evaluated 2025-04-20.

Conditions:
Hereditary cancer-predisposing syndrome. Also called: Hereditary neoplastic syndrome; Tumor predisposition; Hereditary Cancer Syndrome; Neoplastic Syndromes, Hereditary. Identifiers: Orphanet 140162, MedGen C0027672, MeSH D009386, MONDO:0015356.
Familial cancer of breast. Also called: hereditary breast carcinoma; Hereditary breast cancer; BREAST CANCER, FAMILIAL. Identifiers: Orphanet 227535, MedGen C0346153, MONDO:0016419, OMIM 114480. Disease mechanism: loss of function.

Submissions (4):

Labcorp Genetics (formerly Invitae), Labcorp
Classification: Uncertain significance for Familial cancer of breast. Last evaluated: 2025-04-20. Review status: criteria provided, single submitter. Criteria: Invitae Variant Classification Sherloc (09022015). Collection method: clinical testing. Allele origin: germline.
Comment: This sequence change replaces glycine, which is neutral and non-polar, with arginine, which is basic and polar, at codon 505 of the BARD1 protein (p.Gly505Arg). This variant is not present in population databases (gnomAD no frequency). This variant has not been reported in the literature in individuals affected with BARD1-related conditions. ClinVar contains an entry for this variant (Variation ID: 219764). An algorithm developed to predict the effect of missense changes on protein structure and function (PolyPhen-2) suggests that this variant is likely to be disruptive. In summary, the available evidence is currently insufficient to determine the role of this variant in disease. Therefore, it has been classified as a Variant of Uncertain Significance.

Ambry Genetics
Classification: Uncertain significance for Hereditary cancer-predisposing syndrome. Last evaluated: 2025-04-19. Review status: criteria provided, single submitter. Criteria: Ambry Variant Classification Scheme 2023. Collection method: clinical testing. Allele origin: germline.
Comment: The p.G505R variant (also known as c.1513G>C), located in coding exon 6 of the BARD1 gene, results from a G to C substitution at nucleotide position 1513. The glycine at codon 505 is replaced by arginine, an amino acid with dissimilar properties. This amino acid position is highly conserved in available vertebrate species. In addition, this alteration is predicted to be deleterious by in silico analysis. Since supporting evidence is limited at this time, the clinical significance of this alteration remains unclear.

Baylor Genetics
Classification: Uncertain significance for Familial cancer of breast. Last evaluated: 2023-09-08. Review status: criteria provided, single submitter. Criteria: ACMG Guidelines, 2015. Collection method: clinical testing. Allele origin: unknown.

GeneDx
Classification: Uncertain significance. Last evaluated: 2022-09-06. Review status: criteria provided, single submitter. Criteria: GeneDx Variant Classification Process June 2021. Collection method: clinical testing. Allele origin: germline. Affected: yes.
Comment: Not observed at significant frequency in large population cohorts (gnomAD); In silico analysis supports that this missense variant has a deleterious effect on protein structure/function; Has not been previously published as pathogenic or benign to our knowledge; This variant is associated with the following publications: (PMID: 18480049)